The following is an entry in ClinVar:

NM_001130987.2(DYSF):c.2350C>T (p.Pro784Ser)

Gene: DYSF (dysferlin; plus strand). Cytogenetic location: 2p13.2.
Variant type: single nucleotide variant.
Coding change: c.2350C>T on transcript NM_001130987.2 (MANE Select); coding-DNA position 2350, C replaced by T.
Protein change: p.Pro784Ser; replaces proline 784 with serine.
Molecular consequence: missense variant.
Genome position (GRCh38, 1-based): chr2:71,561,885, C>T. VCF-style: chr2-71561885-C-T. GRCh37 (hg19) VCF-style: chr2-71789015-C-T.
Other names: c.2299C>T, p.Pro767Ser (NM_001130455.2, NM_001130983.2); c.2254C>T, p.Pro752Ser (NM_001130976.2, NM_001130977.2); c.2296C>T, p.Pro766Ser (NM_001130978.2, NM_003494.4); c.2389C>T, p.Pro797Ser (NM_001130979.2); c.2347C>T, p.Pro783Ser (NM_001130980.2, NM_001130981.2); c.2392C>T, p.Pro798Ser (NM_001130982.2); c.2257C>T, p.Pro753Ser (NM_001130984.2, NM_001130986.2); c.2350C>T, p.Pro784Ser (NM_001130985.2); short protein forms P766S, P784S, P798S, P753S, P783S, P797S, P752S, P767S.
Identifiers: ClinVar variation 1354789 (VCV001354789.3), dbSNP rs1466276981, ClinGen allele CA347209769.

ClinVar aggregate classification (germline): Uncertain significance (1 of 4 stars; one submission).

Conditions:
Neuromuscular disease caused by qualitative or quantitative defects of dysferlin. Also called: Qualitative or quantitative defects of dysferlin; Dysferlinopathy. Identifiers: Orphanet 207073, MedGen C2931687, MONDO:0016145.

Allele frequency attached by ClinVar (database versions not stated): gnomAD exomes below 0.00001.
gnomAD v4.1: 2 of 1,614,136 alleles (0.00012%); highest among the groups gnomAD compares: Non-Finnish European, 0.00017%; no homozygotes.

Submission:

Labcorp Genetics (formerly Invitae), Labcorp
Classification: Uncertain significance for Neuromuscular disease caused by qualitative or quantitative defects of dysferlin. Last evaluated: 2022-02-06. Review status: criteria provided, single submitter. Criteria: Invitae Variant Classification Sherloc (09022015). Collection method: clinical testing. Allele origin: germline.
Comment: This sequence change replaces proline, which is neutral and non-polar, with serine, which is neutral and polar, at codon 766 of the DYSF protein (p.Pro766Ser). This variant is not present in population databases (gnomAD no frequency). This variant has not been reported in the literature in individuals affected with DYSF-related conditions. Advanced modeling of protein sequence and biophysical properties (such as structural, functional, and spatial information, amino acid conservation, physicochemical variation, residue mobility, and thermodynamic stability) performed at Invitae indicates that this missense variant is not expected to disrupt DYSF protein function. In summary, the available evidence is currently insufficient to determine the role of this variant in disease. Therefore, it has been classified as a Variant of Uncertain Significance.